The following is an entry in ClinVar:

NM_015346.4(ZFYVE26):c.6921C>T (p.Ser2307=)

Gene: ZFYVE26 (zinc finger FYVE-type containing 26; minus strand). Cytogenetic location: 14q24.1.
Variant type: single nucleotide variant.
Coding change: c.6921C>T on transcript NM_015346.4 (MANE Select); coding-DNA position 6921, C replaced by T.
Protein change: p.Ser2307=; no amino-acid change (serine 2307 retained).
Molecular consequence: synonymous variant.
Genome position (GRCh38, 1-based): chr14:67,755,116, G>A on the plus strand (C>T on the coding strand, the complement: ZFYVE26 is on the minus strand). VCF-style: chr14-67755116-G-A. GRCh37 (hg19) VCF-style: chr14-68221833-G-A.
Other names: p.Ser2307=.
Identifiers: ClinVar variation 241057 (VCV000241057.22), dbSNP rs35917338, ClinGen allele CA7239110.

ClinVar aggregate classification (germline): Benign. Review status: criteria provided, multiple submitters, no conflicts (2 of 4 stars). 8 submissions from 8 submitters: Benign (8). Last evaluated 2026-01-31.

Conditions:
Spastic paraplegia. Identifiers: MedGen C0037772, HP:0001258.
Hereditary spastic paraplegia. Also called: Familial spastic paraparesis. Identifiers: Orphanet 685, MedGen C0037773, MONDO:0019064. Disease mechanism: loss of function.
Hereditary spastic paraplegia 15 (SPG15). Also called: SPASTIC PARAPLEGIA 15, AUTOSOMAL RECESSIVE; KJELLIN SYNDROME; SPASTIC PARAPLEGIA AND RETINAL DEGENERATION. Identifiers: Orphanet 100996, MedGen C1849128, MONDO:0010044, OMIM 270700.

Allele frequency attached by ClinVar (database versions not stated): gnomAD exomes 0.00163 and 0.00488; ExAC 0.00609; gnomAD 0.01815 and 0.01911; TOPMed 0.02070; ESP Exome Variant Server 0.02145; 1000 Genomes Project 0.02416; 1000 Genomes Project 30x 0.02686.
gnomAD v4.1: 5,257 of 1,614,104 alleles (0.33%); highest among the groups gnomAD compares: African/African-American, 6.2%; 174 homozygotes.

Submissions (8):

Labcorp Genetics (formerly Invitae), Labcorp
Classification: Benign for Spastic paraplegia. Last evaluated: 2026-01-31. Review status: criteria provided, single submitter. Criteria: Invitae Variant Classification Sherloc (09022015). Collection method: clinical testing. Allele origin: germline.

Athena Diagnostics
Classification: Benign. Last evaluated: 2025-01-17. Review status: criteria provided, single submitter. Criteria: Athena Diagnostics Criteria. Collection method: clinical testing. Allele origin: unknown.
Comment: The frequency of this variant in the general population is higher than would generally be expected for pathogenic variants in this gene.

Genome-Nilou Lab
Classification: Benign for Hereditary spastic paraplegia 15. Last evaluated: 2021-12-05. Review status: criteria provided, single submitter. Criteria: ACMG Guidelines, 2015. Collection method: clinical testing. Allele origin: germline. Affected: no.

Illumina Laboratory Services, Illumina
Classification: Benign for Hereditary spastic paraplegia 15. Last evaluated: 2018-01-13. Review status: criteria provided, single submitter. Criteria: ICSL Variant Classification Criteria 13 December 2019. Collection method: clinical testing. Allele origin: germline.
Comment: This variant was observed in the ICSL laboratory as part of a predisposition screen in an ostensibly healthy population. It had not been previously curated by ICSL or reported in the Human Gene Mutation Database (HGMD: prior to June 1st, 2018), and was therefore a candidate for classification through an automated scoring system. Utilizing variant allele frequency, disease prevalence and penetrance estimates, and inheritance mode, an automated score was calculated to assess if this variant is too frequent to cause the disease. Based on the score and internal cut-off values, a variant classified as benign is not then subjected to further curation. The score for this variant resulted in a classification of benign for this disease.

Genome Diagnostics Laboratory, The Hospital for Sick Children
Classification: Benign for Hereditary spastic paraplegia. Last evaluated: 2017-05-29. Review status: criteria provided, single submitter. Criteria: ACMG Guidelines, 2015. Collection method: clinical testing. Allele origin: germline. Affected: yes.

Mayo Clinic Laboratories, Mayo Clinic
Classification: Benign. Last evaluated: 2016-11-25. Review status: criteria provided, single submitter. Criteria: ACMG Guidelines, 2015. Collection method: clinical testing. Allele origin: germline. Observed: 9 variant alleles.

GeneDx
Classification: Benign. Last evaluated: 2016-10-24. Review status: criteria provided, single submitter. Criteria: GeneDx Variant Classification (06012015). Collection method: clinical testing. Allele origin: germline. Affected: yes.
Comment: This variant is considered likely benign or benign based on one or more of the following criteria: it is a conservative change, it occurs at a poorly conserved position in the protein, it is predicted to be benign by multiple in silico algorithms, and/or has population frequency not consistent with disease.

Breakthrough Genomics
Classification: Benign. Review status: criteria provided, single submitter. Criteria: ACMG Guidelines, 2015. Collection method: not provided. Allele origin: germline. Inheritance: Autosomal recessive inheritance. Affected: yes.